The following is an entry in ClinVar:

NM_000368.5(TSC1):c.1914del (p.Asp638fs)

Gene: TSC1 (TSC complex subunit 1; minus strand). Cytogenetic location: 9q34.13.
Variant type: Deletion.
Coding change: c.1914del on transcript NM_000368.5 (MANE Select); coding-DNA position 1914, one base deleted (T; older notation c.1914delT).
Protein change: p.Asp638fs; shifts the reading frame from aspartic acid 638.
Molecular consequence: frameshift variant. On other transcripts: non-coding transcript variant (5).
Genome position (GRCh38, 1-based): chr9:132,905,664, A deleted on the plus strand (T on the coding strand, the reverse complement: TSC1 is on the minus strand). VCF-style (leftmost placement, unchanged base first): chr9-132905663-CA-C. GRCh37 (hg19) VCF-style: chr9-135781050-CA-C.
Other names: c.1548del, p.Asp516fs (NM_001406622.1, NM_001406623.1, NM_001406625.1 and 2 more transcripts); c.1551del, p.Asp517fs (NM_001406624.1, NM_001362177.2, NM_001406614.1 and 5 more transcripts); c.963del, p.Asp321fs (NM_001406626.1); c.960del, p.Asp320fs (NM_001406627.1, NM_001406628.1); c.861del, p.Asp287fs (NM_001406629.1, NM_001406630.1); c.1911del, p.Asp637fs (NM_001162426.2, NM_001406597.1, NM_001406598.1 and 6 more transcripts); c.1761del, p.Asp587fs (NM_001162427.2, NM_001406610.1); c.1914del, p.Asp638fs (NM_001406592.1, NM_001406593.1, NM_001406594.1 and 7 more transcripts); and 1 more; short protein forms D287fs, D320fs, D516fs, D586fs, D321fs, D587fs, D637fs, D638fs.
Identifiers: ClinVar variation 2847357 (VCV002847357.3), dbSNP rs2538705379, ClinGen allele CA2739264838.

ClinVar aggregate classification (germline): Pathogenic (1 of 4 stars; one submission).

Conditions:
Tuberous sclerosis 1 (TSC1). Identifiers: Orphanet 805, MedGen C1854465, MONDO:0008612, OMIM 191100.

Submission:

Labcorp Genetics (formerly Invitae), Labcorp
Classification: Pathogenic for Tuberous sclerosis 1. Last evaluated: 2023-03-19. Review status: criteria provided, single submitter. Criteria: Invitae Variant Classification Sherloc (09022015). Collection method: clinical testing. Allele origin: germline.
Comment: This sequence change creates a premature translational stop signal (p.Asp638Glufs*15) in the TSC1 gene. It is expected to result in an absent or disrupted protein product. Loss-of-function variants in TSC1 are known to be pathogenic (PMID: 10227394, 17304050). This variant is not present in population databases (gnomAD no frequency). This variant has not been reported in the literature in individuals affected with TSC1-related conditions. For these reasons, this variant has been classified as Pathogenic.

Literature cited by the submitters: PubMed 10227394; PubMed 17304050.